The following is an entry in ClinVar:

NM_001256789.3(CACNA1F):c.2412A>G (p.Glu804=)

Gene: CACNA1F (calcium voltage-gated channel subunit alpha1 F; minus strand). Cytogenetic location: Xp11.23.
Variant type: single nucleotide variant.
Coding change: c.2412A>G on transcript NM_001256789.3 (MANE Select); coding-DNA position 2412, A replaced by G.
Protein change: p.Glu804=; no amino-acid change (glutamic acid 804 retained).
Molecular consequence: synonymous variant.
Genome position (GRCh38, 1-based): chrX:49,219,765, T>C on the plus strand (A>G on the coding strand, the complement: CACNA1F is on the minus strand). VCF-style: chrX-49219765-T-C. GRCh37 (hg19) VCF-style: chrX-49076224-T-C.
Other names: c.2250A>G, p.Glu750= (NM_001256790.3); c.2445A>G, p.Glu815= (NM_005183.4); c.2445A>G (NM_005183.3).
Identifiers: ClinVar variation 1156141 (VCV001156141.11), dbSNP rs868954985, ClinGen allele CA516377827.
Genomic context (GRCh38, chrX:49,219,765, plus strand): 5'-TTCCTGCAGGAGTTCCACACCCCCTGCACCCTCTTCCTCTTCTTCCTCTTCTTCCTCTTC[T>C]TCCTCCTCCTCCTCCTCCTCCATGTCTGGCACCAGAGAAAAGCAAAAAAAAATTAATTGA-3'
Protein context (NP_001243718.1, residues 794-814): GADMEEEEEE[Glu804=]EEEEEEEEEE

ClinVar aggregate classification (germline): Likely benign. Review status: criteria provided, multiple submitters, no conflicts (2 of 4 stars). 3 submissions from 3 submitters: Likely benign (3). Last evaluated 2025-07-31.

Conditions:
CACNA1F-related disorder. Also called: CACNA1F-related condition.

Allele frequency attached by ClinVar (database versions not stated): gnomAD 0.00002; gnomAD exomes 0.00002 and 0.00006.
gnomAD v4.1: 19 of 1,106,386 alleles (0.0017%); highest among the groups gnomAD compares: Admixed American, 0.023%; no homozygotes.

Submissions (3):

PreventionGenetics, part of Exact Sciences
Classification: Likely benign for CACNA1F-related condition. Last evaluated: 2025-07-31. Review status: criteria provided, single submitter. Criteria: ACMG Guidelines, 2015. Collection method: clinical testing. Allele origin: germline.
Comment: This variant is classified as likely benign based on ACMG/AMP sequence variant interpretation guidelines (Richards et al. 2015 PMID: 25741868, with internal and published modifications).

Labcorp Genetics (formerly Invitae), Labcorp
Classification: Likely benign. Last evaluated: 2023-08-25. Review status: criteria provided, single submitter. Criteria: Invitae Variant Classification Sherloc (09022015). Collection method: clinical testing. Allele origin: germline.

Blueprint Genetics
Classification: Likely benign. Last evaluated: 2021-10-25. Review status: criteria provided, single submitter. Criteria: ACMG Guidelines, 2015. Collection method: clinical testing. Allele origin: germline.